The following is an entry in ClinVar:

NM_007294.4(BRCA1):c.186T>G (p.Pro62=)

Gene: BRCA1 (BRCA1 DNA repair associated; minus strand). Cytogenetic location: 17q21.31.
Variant type: single nucleotide variant.
Coding change: c.186T>G on transcript NM_007294.4 (MANE Select); coding-DNA position 186, T replaced by G.
Protein change: p.Pro62=; no amino-acid change (proline 62 retained).
Molecular consequence: synonymous variant. On other transcripts: 5 prime UTR variant (61), intron variant (34).
Genome position (GRCh38, 1-based): chr17:43,106,482, A>C on the plus strand (T>G on the coding strand, the complement: BRCA1 is on the minus strand). VCF-style: chr17-43106482-A-C. GRCh37 (hg19) VCF-style: chr17-41258499-A-C.
Other names: c.186T>G, p.Pro62= (NM_001407664.1, NM_001407665.1, NM_001407666.1 and 168 more transcripts); c.45T>G, p.Pro15= (NM_001407692.1, NM_001407694.1, NM_001407695.1 and 99 more transcripts); c.-3T>G (NM_001407853.1, NM_001407879.1, NM_001407881.1 and 58 more transcripts); c.-218-11622T>G (NM_001407967.1, NM_001407966.1); c.-169-1526T>G (NM_001407959.1, NM_001407962.1, NM_001408512.1 and 4 more transcripts); c.81-1526T>G (NM_001408451.1); c.135-1526T>G (NM_001408475.1, NM_001407875.1, NM_001407659.1 and 21 more transcripts).
Identifiers: ClinVar variation 865236 (VCV000865236.3), dbSNP rs2054778965, ClinGen allele CA500128124.

Conditions:
Breast-ovarian cancer, familial, susceptibility to, 1 (BROVCA1). Also called: BRCA1 Hereditary Breast and Ovarian Cancer; OVARIAN CANCER, SUSCEPTIBILITY TO. Identifiers: Orphanet 145, MedGen C2676676, MONDO:0011450, OMIM 604370. Disease mechanism: loss of function.

Submission:

Brotman Baty Institute, University of Washington
No classification provided (evidence only). Condition: Breast-ovarian cancer, familial 1. Review status: no classification provided. Collection method: in vitro. Allele origin: not applicable. Functional consequence: functionally_normal.
ClinVar note: "not provided" was previously submitted as the classification for the variant. However, the classification appeared to be based only on an observation of functional data so it was converted to no classification on 2025-07-30.